The following is an entry in ClinVar:

NM_007294.4(BRCA1):c.1401G>A (p.Lys467=)

Gene: BRCA1 (BRCA1 DNA repair associated; minus strand). Cytogenetic location: 17q21.31.
Variant type: single nucleotide variant.
Coding change: c.1401G>A on transcript NM_007294.4 (MANE Select); coding-DNA position 1401, G replaced by A.
Protein change: p.Lys467=; no amino-acid change (lysine 467 retained).
Molecular consequence: synonymous variant. On other transcripts: intron variant (137).
Genome position (GRCh38, 1-based): chr17:43,094,130, C>T on the plus strand (G>A on the coding strand, the complement: BRCA1 is on the minus strand). VCF-style: chr17-43094130-C-T. GRCh37 (hg19) VCF-style: chr17-41246147-C-T.
Other names: c.577+614G>A (NM_001408485.1, NM_001408483.1, NM_001408481.1 and 9 more transcripts); c.661+614G>A (NM_001408447.1, NM_001408433.1, NM_001408446.1 and 6 more transcripts); c.784+614G>A (NM_001408400.1, NM_001408392.1, NM_001407986.1 and 13 more transcripts); c.664+614G>A (NM_001408441.1, NM_001408437.1, NM_001408429.1 and 12 more transcripts); c.787+614G>A (NM_001407979.1, NM_001407977.1, NM_001407982.1 and 19 more transcripts); c.646+614G>A (NM_001408410.1, NM_001408458.1, NM_001408469.1 and 11 more transcripts); c.709+614G>A (NM_001408415.1, NM_001408412.1, NM_001408409.1 and 2 more transcripts); c.1188G>A, p.Lys396= (NM_001407571.1, NM_001407853.1, NM_001407894.1 and 9 more transcripts); and 40 more.
Identifiers: ClinVar variation 184191 (VCV000184191.65), dbSNP rs786201323, ClinGen allele CA000945.

ClinVar aggregate classification (germline): Likely benign. Review status: reviewed by expert panel (3 of 4 stars). 12 submissions from 12 submitters: Likely benign (1). 11 of the submissions do not count toward it. Last evaluated 2017-06-29.

Conditions:
Hereditary breast ovarian cancer syndrome. Also called: Hereditary breast and ovarian cancer syndrome; Hereditary breast and ovarian cancer syndrome (HBOC); BRCA1- and BRCA2-Associated Hereditary Breast and Ovarian Cancer; Breast and ovarian cancer; Hereditary breast and ovarian cancer; Hereditary breast and/or ovarian cancer syndrome. Identifiers: Orphanet 145, MedGen C0677776, MeSH D061325, MONDO:0003582. Disease mechanism: loss of function.
Fanconi anemia, complementation group S (FANCS). Identifiers: MedGen C4554406, MONDO:0054748, OMIM 617883.
Breast-ovarian cancer, familial, susceptibility to, 1 (BROVCA1). Also called: OVARIAN CANCER, SUSCEPTIBILITY TO; BRCA1 Hereditary Breast and Ovarian Cancer. Identifiers: Orphanet 145, MedGen C2676676, MONDO:0011450, OMIM 604370. Disease mechanism: loss of function.
Hereditary cancer-predisposing syndrome. Also called: Hereditary Cancer Syndrome; Hereditary neoplastic syndrome; Tumor predisposition; Neoplastic Syndromes, Hereditary. Identifiers: Orphanet 140162, MedGen C0027672, MeSH D009386, MONDO:0015356.

Allele frequency attached by ClinVar (database versions not stated): gnomAD 0.00001; gnomAD exomes 0.00001 and 0.00002; TOPMed 0.00001.
gnomAD v4.1: 29 of 1,613,982 alleles (0.0018%); highest among the groups gnomAD compares: Admixed American, 0.0033%; no homozygotes.

Submissions (12):

Evidence-based Network for the Interpretation of Germline Mutant Alleles (ENIGMA)
Classification: Likely benign for Breast-ovarian cancer, familial, susceptibility to, 1. Last evaluated: 2017-06-29. Review status: reviewed by expert panel. Criteria: ENIGMA BRCA1/2 Classification Criteria (2017-06-29). Collection method: curation. Allele origin: germline.
Comment: Synonymous substitution variant, with low bioinformatic likelihood to result in a splicing aberration (Splicing prior probability 0.02).

Labcorp Genetics (formerly Invitae), Labcorp
Classification: Likely benign for Hereditary breast ovarian cancer syndrome. Last evaluated: 2025-02-13. Review status: criteria provided, single submitter. Criteria: Invitae Variant Classification Sherloc (09022015). Collection method: clinical testing. Allele origin: germline. Not counted in ClinVar's aggregate classification.

Women's Health and Genetics/Laboratory Corporation of America, LabCorp
Classification: Likely benign. Last evaluated: 2024-09-20. Review status: criteria provided, single submitter. Criteria: LabCorp Variant Classification Summary - May 2015. Collection method: clinical testing. Allele origin: germline. Not counted in ClinVar's aggregate classification.

All of Us Research Program, National Institutes of Health
Classification: Likely benign for Breast-ovarian cancer, familial, susceptibility to, 1. Last evaluated: 2023-11-20. Review status: criteria provided, single submitter. Criteria: ACMG Guidelines, 2015. Collection method: clinical testing. Allele origin: germline. Inheritance: Autosomal dominant inheritance. Observed: 4 variant alleles, 4 heterozygotes. Not counted in ClinVar's aggregate classification.
Comment: This study involves interpretation of variants in research participants for the purpose of population health screening. Participant phenotype was not available at the time of variant classification. Additional details can be found in publication PMID: 35346344, PMCID: PMC8962531

Department of Pathology and Laboratory Medicine, Sinai Health System
Classification: Likely benign for Fanconi anemia, complementation group S. Last evaluated: 2023-08-22. Review status: criteria provided, single submitter. Criteria: ACMG Guidelines, 2015. Collection method: clinical testing. Allele origin: germline. Affected: yes. Not counted in ClinVar's aggregate classification.

Institute for Biomarker Research, Medical Diagnostic Laboratories, L.L.C.
Classification: Likely benign for Hereditary breast ovarian cancer syndrome. Last evaluated: 2023-06-02. Review status: criteria provided, single submitter. Criteria: ACMG Guidelines, 2015. Collection method: clinical testing. Allele origin: germline. Not counted in ClinVar's aggregate classification.

Quest Diagnostics Nichols Institute San Juan Capistrano
Classification: Likely benign. Last evaluated: 2023-02-21. Review status: criteria provided, single submitter. Criteria: Quest Diagnostics criteria. Collection method: clinical testing. Allele origin: unknown. Not counted in ClinVar's aggregate classification.

GeneDx
Classification: Likely benign. Last evaluated: 2020-01-21. Review status: criteria provided, single submitter. Criteria: GeneDx Variant Classification Process June 2021. Collection method: clinical testing. Allele origin: germline. Affected: yes. Not counted in ClinVar's aggregate classification.
Comment: This variant is associated with the following publications: (PMID: 25337278)

Mendelics
Classification: Benign for Breast-ovarian cancer, familial, susceptibility to, 1. Last evaluated: 2019-05-28. Review status: criteria provided, single submitter. Criteria: Mendelics Assertion Criteria 2017. Collection method: clinical testing. Allele origin: unknown. Not counted in ClinVar's aggregate classification.

Color Diagnostics, LLC DBA Color Health
Classification: Likely benign for Hereditary cancer-predisposing syndrome. Last evaluated: 2016-07-25. Review status: criteria provided, single submitter. Criteria: ACMG Guidelines, 2015. Collection method: clinical testing. Allele origin: germline. Not counted in ClinVar's aggregate classification.

Ambry Genetics
Classification: Likely benign for Hereditary cancer-predisposing syndrome. Last evaluated: 2015-06-23. Review status: criteria provided, single submitter. Criteria: Ambry Variant Classification Scheme 2023. Collection method: clinical testing. Allele origin: germline. Not counted in ClinVar's aggregate classification.

Counsyl
Classification: Likely benign for Breast-ovarian cancer, familial, susceptibility to, 1. Last evaluated: 2017-08-11. Review status: no assertion criteria provided. Collection method: clinical testing. Allele origin: unknown. Not counted in ClinVar's aggregate classification.

Literature cited by the submitters: PubMed 25337278 (cited by 4 submitters); PubMed 32467295 (cited by Quest Diagnostics Nichols Institute San Juan Capistrano).